The following is an entry in ClinVar:

ClinVar aggregate classification (germline): Likely benign. Review status: criteria provided, multiple submitters, no conflicts (2 of 4 stars). 2 submissions from 2 submitters: Likely benign (2). Last evaluated 2022-09-16.

Allele frequency attached by ClinVar (database versions not stated): TOPMed 0.00001; ESP Exome Variant Server 0.00008.
gnomAD v4.1: 10 of 1,614,152 alleles (0.00062%); highest among the groups gnomAD compares: Non-Finnish European, 0.00076%; no homozygotes.

Submissions (2):

Labcorp Genetics (formerly Invitae), Labcorp
Classification: Likely benign. Last evaluated: 2022-09-16. Review status: criteria provided, single submitter. Criteria: Invitae Variant Classification Sherloc (09022015). Collection method: clinical testing. Allele origin: germline.

CeGaT Center for Human Genetics Tuebingen
Classification: Likely benign. Last evaluated: 2022-06-01. Review status: criteria provided, single submitter. Criteria: CeGaT Center For Human Genetics Tuebingen Variant Classification Criteria Version 2. Collection method: clinical testing. Allele origin: germline. Affected: yes. Observed: 1 variant allele.
Comment: KCNH1: PM2:Supporting, BP4, BP7

NM_172362.3(KCNH1):c.1383C>A (p.Leu461=)

Gene: KCNH1 (potassium voltage-gated channel subfamily H member 1; minus strand). Cytogenetic location: 1q32.2.
Variant type: single nucleotide variant.
Coding change: c.1383C>A on transcript NM_172362.3 (MANE Select); coding-DNA position 1383, C replaced by A.
Protein change: p.Leu461=; no amino-acid change (leucine 461 retained).
Molecular consequence: synonymous variant.
Genome position (GRCh38, 1-based): chr1:210,919,719, G>T on the plus strand (C>A on the coding strand, the complement: KCNH1 is on the minus strand). VCF-style: chr1-210919719-G-T. GRCh37 (hg19) VCF-style: chr1-211093061-G-T.
Other names: c.1302C>A, p.Leu434= (NM_002238.4).
Identifiers: ClinVar variation 1990906 (VCV001990906.28), dbSNP rs368522159, ClinGen allele CA37137651.